The following is an entry in ClinVar:

ClinVar aggregate classification (germline): Uncertain significance (1 of 4 stars; one submission).

Conditions:
Orthostatic hypotension 1 (ORTHYP1). Also called: Dopamine beta-hydroxylase deficiency; NORADRENALINE DEFICIENCY; NOREPINEPHRINE DEFICIENCY; Orthostatic hypotension 1, due to DBH deficiency. Identifiers: Orphanet 230, MedGen C4746777, MONDO:0009123, OMIM 223360.

Allele frequency attached by ClinVar (database versions not stated): gnomAD exomes 0.00001; ExAC 0.00002; gnomAD 0.00005; TOPMed 0.00005; ESP Exome Variant Server 0.00008.
gnomAD v4.1: 28 of 1,604,724 alleles (0.0017%); highest among the groups gnomAD compares: Middle Eastern, 0.033%; no homozygotes.

Submission:

Labcorp Genetics (formerly Invitae), Labcorp
Classification: Uncertain significance for Orthostatic hypotension 1. Last evaluated: 2022-08-23. Review status: criteria provided, single submitter. Criteria: Invitae Variant Classification Sherloc (09022015). Collection method: clinical testing. Allele origin: germline.
Comment: This sequence change replaces aspartic acid, which is acidic and polar, with asparagine, which is neutral and polar, at codon 106 of the DBH protein (p.Asp106Asn). This variant is present in population databases (rs148244950, gnomAD 0.004%). This variant has not been reported in the literature in individuals affected with DBH-related conditions. ClinVar contains an entry for this variant (Variation ID: 1439507). Algorithms developed to predict the effect of missense changes on protein structure and function output the following: SIFT: "Tolerated"; PolyPhen-2: "Benign"; Align-GVGD: "Class C0". The asparagine amino acid residue is found in multiple mammalian species, which suggests that this missense change does not adversely affect protein function. In summary, the available evidence is currently insufficient to determine the role of this variant in disease. Therefore, it has been classified as a Variant of Uncertain Significance.

NM_000787.4(DBH):c.316G>A (p.Asp106Asn)

Gene: DBH (dopamine beta-hydroxylase; plus strand). Cytogenetic location: 9q34.2.
Variant type: single nucleotide variant.
Coding change: c.316G>A on transcript NM_000787.4 (MANE Select); coding-DNA position 316, G replaced by A.
Protein change: p.Asp106Asn; replaces aspartic acid 106 with asparagine.
Molecular consequence: missense variant.
Genome position (GRCh38, 1-based): chr9:133,636,687, G>A. VCF-style: chr9-133636687-G-A. GRCh37 (hg19) VCF-style: chr9-136501809-G-A.
Other names: short protein forms D106N.
Identifiers: ClinVar variation 1439507 (VCV001439507.3), dbSNP rs148244950, ClinGen allele CA5313004.